The following is an entry in ClinVar:

NM_001267550.2(TTN):c.14998C>T (p.Arg5000Cys)

Gene: TTN (titin; minus strand). Cytogenetic location: 2q31.2.
Variant type: single nucleotide variant.
Coding change: c.14998C>T on transcript NM_001267550.2 (MANE Select); coding-DNA position 14998, C replaced by T.
Protein change: p.Arg5000Cys; replaces arginine 5000 with cysteine.
Molecular consequence: missense variant. On other transcripts: intron variant (3).
Genome position (GRCh38, 1-based): chr2:178,734,926, G>A on the plus strand (C>T on the coding strand, the complement: TTN is on the minus strand). VCF-style: chr2-178734926-G-A. GRCh37 (hg19) VCF-style: chr2-179599653-G-A.
Other names: p.R4683C:CGC>TGC; c.14047C>T, p.Arg4683Cys (NM_001256850.1); c.11266C>T, p.Arg3756Cys (NM_133378.4); c.13282+3156C>T (NM_003319.4); c.13858+3156C>T (NM_133437.4); c.13657+3156C>T (NM_133432.3); short protein forms R5000C, R3756C, R4683C.
Identifiers: ClinVar variation 46596 (VCV000046596.22), dbSNP rs369933152, ClinGen allele CA138702.

ClinVar aggregate classification (germline): Conflicting classifications of pathogenicity. Review status: criteria provided, conflicting classifications (1 of 4 stars). 7 submissions from 7 submitters: Uncertain significance (4); Benign (1); Likely benign (2). Last evaluated 2026-03-05.

Conditions:
TTN-related disorder. Also called: TTN-related condition; TTN-related disease; TTN-related disorders.
Autosomal recessive limb-girdle muscular dystrophy type 2J (LGMDR10). Also called: Limb-girdle muscular dystrophy, type 2J; MUSCULAR DYSTROPHY, LIMB-GIRDLE, AUTOSOMAL RECESSIVE 10. Identifiers: Orphanet 140922, MedGen C1837342, MONDO:0012127, OMIM 608807.
Dilated cardiomyopathy 1G (CMD1G). Identifiers: Orphanet 154, MedGen C1858763, MONDO:0011400, OMIM 604145.

Allele frequency attached by ClinVar (database versions not stated): gnomAD exomes 0.00010; ExAC 0.00013; 1000 Genomes Project 0.00020; ESP Exome Variant Server 0.00025; 1000 Genomes Project 30x 0.00031; gnomAD 0.00031 and 0.00034; TOPMed 0.00034.
gnomAD v4.1: 115 of 1,611,242 alleles (0.0071%); highest among the groups gnomAD compares: African/African-American, 0.096%; 1 homozygote.

Submissions (7):

PreventionGenetics, part of Exact Sciences
Classification: Uncertain significance for TTN-related condition. Last evaluated: 2026-03-05. Review status: criteria provided, single submitter. Criteria: ACMG Guidelines, 2015. Collection method: clinical testing. Allele origin: germline.
Comment: The TTN c.14998C>T variant is predicted to result in the amino acid substitution p.Arg5000Cys. To our knowledge, this variant has not been reported in the literature. This variant is reported in 0.12% of alleles in individuals of African descent in gnomAD, including one homozygous individual, which may be too common to be causative. Although we suspect that this variant may be benign, at this time, the clinical significance of this variant is uncertain due to the absence of conclusive functional and genetic evidence.

Labcorp Genetics (formerly Invitae), Labcorp
Classification: Likely benign for Dilated cardiomyopathy 1G; Autosomal recessive limb-girdle muscular dystrophy type 2J. Last evaluated: 2026-01-15. Review status: criteria provided, single submitter. Criteria: Invitae Variant Classification Sherloc (09022015). Collection method: clinical testing. Allele origin: germline.

ARUP Laboratories, Molecular Genetics and Genomics, ARUP Laboratories
Classification: Uncertain significance. Last evaluated: 2025-03-26. Review status: criteria provided, single submitter. Criteria: ARUP Molecular Germline Variant Investigation Process 2024. Collection method: clinical testing. Allele origin: germline.
Comment: The TTN c.14998C>T; p.Arg5000Cys variant (rs369933152; ClinVar Variation ID: 46596) is rare in the general population (<0.2% allele frequency in the Genome Aggregation Database) and has not been reported in the medical litera-ture in association with dilated cardiomyopathy (DCM) or other TTN-related disease. The clinical rele-vance of rare missense variants in this gene, which are identified on average once per individual se-quenced in affected populations (Herman 2012), is not well understood. Yet, evidence suggests that the vast majority of such missense variants do not contribute to the clinical outcome of DCM (Begay 2015). Thus, the clinical significance of the p.Arg5000Cys variant cannot be determined with certainty. References: Begay RL et al. Role of Titin Missense Variants in Dilated Cardiomyopathy. J Am Heart Assoc. 2015 Nov 13;4(11). PMID: 26567375. Herman DS et al. Truncations of titin causing dilated cardiomyopathy. N Engl J Med. 2012 Feb 16;366(7):619-28. PMID: 22335739. Linke WA and Hamdani N. Gigantic business: titin properties and function through thick and thin. Circ Res 2014; 114(6): 1052-1068. PMID: 24625729.

Revvity Omics, Revvity
Classification: Uncertain significance. Last evaluated: 2023-10-20. Review status: criteria provided, single submitter. Criteria: ACMG Guidelines, 2015. Collection method: clinical testing. Allele origin: germline.

Women's Health and Genetics/Laboratory Corporation of America, LabCorp
Classification: Benign. Last evaluated: 2022-07-19. Review status: criteria provided, single submitter. Criteria: LabCorp Variant Classification Summary - May 2015. Collection method: clinical testing. Allele origin: germline.
Comment: Variant summary: TTN c.11266C>T (p.Arg3756Cys) results in a non-conservative amino acid change located in the I-band of the encoded protein sequence. Three of four in-silico tools predict a damaging effect of the variant on protein function. The variant allele was found at a frequency of 9.9e-05 in 242204 control chromosomes, predominantly at a frequency of 0.0014 within the African or African-American subpopulation in the gnomAD database, including 1 homozygotes. The observed variant frequency within African or African-American control individuals in the gnomAD database is approximately 4 fold of the estimated maximal expected allele frequency for a pathogenic variant in TTN causing Dilated Cardiomyopathy phenotype (0.00039), strongly suggesting that the variant is a benign polymorphism found primarily in populations of African or African-American origin. To our knowledge, no occurrence of c.11266C>T in individuals affected with Dilated Cardiomyopathy and no experimental evidence demonstrating its impact on protein function have been reported. Co-occurrences with a pathogenic variant has been reported (TTR c.424G>A, p.Val142Ile), providing supporting evidence for a benign role. Two clinical diagnostic laboratories have submitted clinical-significance assessments for this variant to ClinVar after 2014 without evidence for independent evaluation. Both laboratories classified the variant as likely benign. Based on the evidence outlined above, the variant was classified as benign.

GeneDx
Classification: Likely benign. Last evaluated: 2020-11-13. Review status: criteria provided, single submitter. Criteria: GeneDx Variant Classification Process June 2021. Collection method: clinical testing. Allele origin: germline. Affected: yes.

Laboratory for Molecular Medicine, Mass General Brigham Personalized Medicine
Classification: Uncertain significance. Last evaluated: 2012-11-19. Review status: criteria provided, single submitter. Criteria: LMM Criteria. Collection method: clinical testing. Allele origin: germline. Observed: 1 variant allele.
Comment: The Arg3756Cys variant in TTN has not been reported in the literature nor previo usly identified by our laboratory. This variant has been identified in 3/3724 Af rican American chromosomes from a broad population by the NHLBI Exome Sequencing Project. Computational analyses (biochemical amino acid properties, conservation, AlignGVGD, PolyPhen2, and SIFT) suggest th at this variant may impact the protein, though this information is not predictiv e enough to determine pathogenicity. Additional information is needed to fully a ssess the clinical significance of the Arg3756Cys variant.